The following is an entry in ClinVar:

ClinVar aggregate classification (germline): Uncertain significance (1 of 4 stars; one submission).

Submission:

Labcorp Genetics (formerly Invitae), Labcorp
Classification: Uncertain significance. Last evaluated: 2022-10-18. Review status: criteria provided, single submitter. Criteria: Invitae Variant Classification Sherloc (09022015). Collection method: clinical testing. Allele origin: germline.
Comment: In summary, the available evidence is currently insufficient to determine the role of this variant in disease. Therefore, it has been classified as a Variant of Uncertain Significance. Algorithms developed to predict the effect of missense changes on protein structure and function are either unavailable or do not agree on the potential impact of this missense change (SIFT: "Deleterious"; PolyPhen-2: "Benign"; Align-GVGD: "Class C0"). This variant has not been reported in the literature in individuals affected with KLC2-related conditions. This variant is not present in population databases (gnomAD no frequency). This sequence change replaces aspartic acid, which is acidic and polar, with valine, which is neutral and non-polar, at codon 504 of the KLC2 protein (p.Asp504Val).

NM_001318734.2(KLC2):c.1511A>T (p.Asp504Val)

Gene: KLC2 (kinesin light chain 2; plus strand). Cytogenetic location: 11q13.2.
Variant type: single nucleotide variant.
Coding change: c.1511A>T on transcript NM_001318734.2 (MANE Select); coding-DNA position 1511, A replaced by T.
Protein change: p.Asp504Val; replaces aspartic acid 504 with valine.
Molecular consequence: missense variant.
Genome position (GRCh38, 1-based): chr11:66,265,921, A>T. VCF-style: chr11-66265921-A-T. GRCh37 (hg19) VCF-style: chr11-66033392-A-T.
Other names: c.1280A>T, p.Asp427Val (NM_001134774.2); c.1511A>T, p.Asp504Val (NM_001134775.2, NM_001134776.2, NM_022822.3); short protein forms D504V, D427V.
Identifiers: ClinVar variation 2035964 (VCV002035964.4), dbSNP rs1590874557, ClinGen allele CA381362526.